The following is an entry in ClinVar:

ClinVar aggregate classification (germline): Uncertain significance (1 of 4 stars; one submission).

Submission:

GeneDx
Classification: Uncertain significance. Last evaluated: 2024-02-05. Review status: criteria provided, single submitter. Criteria: GeneDx Variant Classification Process June 2021. Collection method: clinical testing. Allele origin: germline. Affected: yes.
Comment: Not observed at significant frequency in large population cohorts (gnomAD); In silico analysis supports that this missense variant does not alter protein structure/function; Has not been previously published as pathogenic or benign to our knowledge

NM_201599.3(ZMYM3):c.193G>A (p.Gly65Ser)

Gene: ZMYM3 (zinc finger MYM-type containing 3; minus strand). Cytogenetic location: Xq13.1.
Variant type: single nucleotide variant.
Coding change: c.193G>A on transcript NM_201599.3 (MANE Select); coding-DNA position 193, G replaced by A.
Protein change: p.Gly65Ser; replaces glycine 65 with serine.
Molecular consequence: missense variant.
Genome position (GRCh38, 1-based): chrX:71,253,063, C>T on the plus strand (G>A on the coding strand, the complement: ZMYM3 is on the minus strand). VCF-style: chrX-71253063-C-T. GRCh37 (hg19) VCF-style: chrX-70472913-C-T.
Other names: c.193G>A, p.Gly65Ser (NM_001171162.1, NM_001171163.1, NM_005096.3); short protein forms G65S.
Identifiers: ClinVar variation 3368739 (VCV003368739.1).